The following is an entry in ClinVar:

NM_025137.4(SPG11):c.3289C>T (p.Gln1097Ter)

Gene: SPG11 (SPG11 vesicle trafficking associated, spatacsin; minus strand). Cytogenetic location: 15q21.1.
Variant type: single nucleotide variant.
Coding change: c.3289C>T on transcript NM_025137.4 (MANE Select); coding-DNA position 3289, C replaced by T.
Protein change: p.Gln1097Ter; replaces glutamine 1097 with a stop codon.
Molecular consequence: nonsense.
Genome position (GRCh38, 1-based): chr15:44,610,842, G>A on the plus strand (C>T on the coding strand, the complement: SPG11 is on the minus strand). VCF-style: chr15-44610842-G-A. GRCh37 (hg19) VCF-style: chr15-44903040-G-A.
Other names: c.3289C>T, p.Gln1097Ter (NM_001160227.2, NM_001411132.1); short protein forms Q1097*.
Identifiers: ClinVar variation 2746747 (VCV002746747.3), dbSNP rs2505481566, ClinGen allele CA392226268.

ClinVar aggregate classification (germline): Pathogenic (1 of 4 stars; one submission).

Conditions:
Hereditary spastic paraplegia 11. Also called: Nakamura Osame syndrome; Autosomal recessive hereditary spastic paraplegia, mental impairment, and thin corpus callosum; Spastic paraplegia, mental retardation and thin corpus callosum; SPASTIC PARAPLEGIA, AUTOSOMAL RECESSIVE, COMPLICATED, WITH THIN CORPUS CALLOSUM; SPASTIC PARAPLEGIA, AUTOSOMAL RECESSIVE, WITH MENTAL IMPAIRMENT AND THIN CORPUS CALLOSUM; Spastic Paraplegia 11. Identifiers: Orphanet 2822, MedGen C1858479, MONDO:0011445, OMIM 604360.

Submission:

Labcorp Genetics (formerly Invitae), Labcorp
Classification: Pathogenic for Hereditary spastic paraplegia 11. Last evaluated: 2023-07-25. Review status: criteria provided, single submitter. Criteria: Invitae Variant Classification Sherloc (09022015). Collection method: clinical testing. Allele origin: germline.
Comment: For these reasons, this variant has been classified as Pathogenic. Algorithms developed to predict the effect of sequence changes on RNA splicing suggest that this variant may disrupt the consensus splice site. This variant has not been reported in the literature in individuals affected with SPG11-related conditions. This variant is not present in population databases (gnomAD no frequency). This sequence change creates a premature translational stop signal (p.Gln1097*) in the SPG11 gene. It is expected to result in an absent or disrupted protein product. Loss-of-function variants in SPG11 are known to be pathogenic (PMID: 19105190, 20110243, 22154821, 26556829).

Literature cited by the submitters: PubMed 19105190; PubMed 20110243; PubMed 22154821; PubMed 26556829.